The following is an entry in ClinVar:

NC_000017.10:g.(?_59937147)_(59938900_?)del

Gene: BRIP1 (BRCA1 interacting DNA helicase 1; minus strand). Cytogenetic location: 17q23.2.
Variant type: Deletion.
Identifiers: ClinVar variation 2427004 (VCV002427004.3).

ClinVar aggregate classification (germline): Pathogenic (1 of 4 stars; one submission).

Conditions:
Familial cancer of breast. Also called: BREAST CANCER, FAMILIAL; hereditary breast carcinoma; Hereditary breast cancer. Identifiers: Orphanet 227535, MedGen C0346153, MONDO:0016419, OMIM 114480. Disease mechanism: loss of function.
Fanconi anemia complementation group J. Also called: BRIP1-Related Fanconi Anemia. Identifiers: Orphanet 84, MedGen C1836860, MONDO:0012187, OMIM 609054.

Submission:

Labcorp Genetics (formerly Invitae), Labcorp
Classification: Pathogenic for Familial cancer of breast; Fanconi anemia complementation group J. Last evaluated: 2021-09-08. Review status: criteria provided, single submitter. Criteria: Invitae Variant Classification Sherloc (09022015). Collection method: clinical testing. Allele origin: germline.
Comment: This variant is a gross deletion of the genomic region encompassing exon(s) 2-3 of the BRIP1 gene, which includes the initiator codon. This deletion extends beyond the assayed region for this gene and therefore may encompass additional genes. It is expected to result in an absent or disrupted protein product. Loss-of-function variants in BRIP1 are known to be pathogenic (PMID: 16116423, 17033622, 21964575). A similar copy number variant has been observed in individual(s) with ovarian cancer (PMID: 28783718). For these reasons, this variant has been classified as Pathogenic.

Literature cited by the submitters: PubMed 16116423; PubMed 17033622; PubMed 21964575; PubMed 28783718.